The following is an entry in ClinVar:

ClinVar aggregate classification (germline): Uncertain significance (1 of 4 stars; one submission).

Conditions:
Progressive myoclonic epilepsy type 5. Identifiers: Orphanet 402082, MedGen C5190799.

Submission:

Labcorp Genetics (formerly Invitae), Labcorp
Classification: Uncertain significance for Progressive myoclonic epilepsy type 5. Last evaluated: 2019-07-09. Review status: criteria provided, single submitter. Criteria: Invitae Variant Classification Sherloc (09022015). Collection method: clinical testing. Allele origin: germline.
Comment: This sequence change replaces isoleucine with asparagine at codon 708 of the PRICKLE2 protein (p.Ile708Asn). The isoleucine residue is moderately conserved and there is a large physicochemical difference between isoleucine and asparagine. This variant is not present in population databases (ExAC no frequency). This variant has not been reported in the literature in individuals with PRICKLE2-related conditions. Algorithms developed to predict the effect of missense changes on protein structure and function are either unavailable or do not agree on the potential impact of this missense change (SIFT: Tolerated; PolyPhen-2: Benign; Align-GVGD: Class C0). In summary, the available evidence is currently insufficient to determine the role of this variant in disease. Therefore, it has been classified as a Variant of Uncertain Significance.

NM_198859.4(PRICKLE2):c.2123T>A (p.Ile708Asn)

Genes: PRICKLE2-AS1 (PRICKLE2 antisense RNA 1; plus strand), PRICKLE2 (prickle planar cell polarity protein 2; minus strand). Cytogenetic location: 3p14.1.
Variant type: single nucleotide variant.
Coding change: c.2123T>A on transcript NM_198859.4 (MANE Select); coding-DNA position 2123, T replaced by A.
Protein change: p.Ile708Asn; replaces isoleucine 708 with asparagine.
Molecular consequence: missense variant. On other transcripts: non-coding transcript variant (1).
Genome position (GRCh38, 1-based): chr3:64,099,463, A>T on the plus strand (T>A on the coding strand, the complement: PRICKLE2 is on the minus strand). VCF-style: chr3-64099463-A-T. GRCh37 (hg19) VCF-style: chr3-64085139-A-T.
Other names: c.2123T>A, p.Ile708Asn (NM_001370528.1); short protein forms I708N.
Identifiers: ClinVar variation 949203 (VCV000949203.2), dbSNP rs2076618722, ClinGen allele CA353426737.
Genomic context (GRCh38, chr3:64,099,463, plus strand): 5'-CGCATAAATTGGTCATAGTCCTCCCTGGCTCTCAGAGGGGGCCTATCTTTTAACCGGGAG[A>T]TGGCCTCGCGTTCGCTGGCCAGGTGGAGGGCGTTGTCGGAGCGAGAGCGTCGGGAACGCC-3'
Protein context (NP_942559.1, residues 698-718): ALHLASEREA[Ile708Asn]SRLKDRPPLR